The following is an entry in ClinVar:

NM_025114.4(CEP290):c.5010A>C (p.Leu1670Phe)

Gene: CEP290 (centrosomal protein 290; minus strand). Cytogenetic location: 12q21.32.
Variant type: single nucleotide variant.
Coding change: c.5010A>C on transcript NM_025114.4 (MANE Select); coding-DNA position 5010, A replaced by C.
Protein change: p.Leu1670Phe; replaces leucine 1670 with phenylalanine.
Molecular consequence: missense variant.
Genome position (GRCh38, 1-based): chr12:88,083,033, T>G on the plus strand (A>C on the coding strand, the complement: CEP290 is on the minus strand). VCF-style: chr12-88083033-T-G. GRCh37 (hg19) VCF-style: chr12-88476810-T-G.
Other names: c.5010A>C (NM_025114.3); short protein forms L1670F.
Identifiers: ClinVar variation 1425146 (VCV001425146.6), dbSNP rs1264789609, ClinGen allele CA385992646.

ClinVar aggregate classification (germline): Uncertain significance. Review status: criteria provided, single submitter (1 of 4 stars). 2 submissions from 2 submitters: Uncertain significance (1). 1 of the submissions does not count toward it. Last evaluated 2022-02-02.

Conditions:
CEP290-related disorder. Also called: CEP290-related disorders; CEP290-related condition. Identifiers: MedGen CN239314.
Joubert syndrome. Also called: CEREBELLOPARENCHYMAL DISORDER IV; JOUBERT-BOLTSHAUSER SYNDROME; Familial aplasia of the vermis. Identifiers: Orphanet 475, MedGen C5979921, MONDO:0018772.
Nephronophthisis. Also called: Juvenile Nephronophthisis. Identifiers: Orphanet 655, MedGen C0687120, MONDO:0019005, HP:0000090.
Meckel-Gruber syndrome. Also called: DYSENCEPHALIA SPLANCHNOCYSTICA; GRUBER SYNDROME; Dysencephalia splachnocystica. Identifiers: Orphanet 564, MedGen C0265215, MONDO:0018921.

Allele frequency attached by ClinVar (database versions not stated): gnomAD exomes below 0.00001; TOPMed 0.00002; gnomAD 0.00003.
gnomAD v4.1: 6 of 1,460,674 alleles (0.00041%); highest among the groups gnomAD compares: African/African-American, 0.0086%; no homozygotes.

Submissions (2):

Labcorp Genetics (formerly Invitae), Labcorp
Classification: Uncertain significance for Joubert syndrome; Meckel-Gruber syndrome; Nephronophthisis. Last evaluated: 2022-02-02. Review status: criteria provided, single submitter. Criteria: Invitae Variant Classification Sherloc (09022015). Collection method: clinical testing. Allele origin: germline.
Comment: This sequence change replaces leucine, which is neutral and non-polar, with phenylalanine, which is neutral and non-polar, at codon 1670 of the CEP290 protein (p.Leu1670Phe). This variant is present in population databases (no rsID available, gnomAD 0.01%). This variant has not been reported in the literature in individuals affected with CEP290-related conditions. Algorithms developed to predict the effect of missense changes on protein structure and function (SIFT, PolyPhen-2, Align-GVGD) all suggest that this variant is likely to be tolerated. In summary, the available evidence is currently insufficient to determine the role of this variant in disease. Therefore, it has been classified as a Variant of Uncertain Significance.

PreventionGenetics, part of Exact Sciences
Classification: Uncertain significance for CEP290-related condition. Last evaluated: 2024-01-16. Review status: no assertion criteria provided. Collection method: clinical testing. Allele origin: germline. Not counted in ClinVar's aggregate classification.
Comment: The CEP290 c.5010A>C variant is predicted to result in the amino acid substitution p.Leu1670Phe. To our knowledge, this variant has not been reported in the literature. This variant is reported in 0.011% of alleles in individuals of African descent in gnomAD. At this time, the clinical significance of this variant is uncertain due to the absence of conclusive functional and genetic evidence.